The following is an entry in ClinVar:

ClinVar aggregate classification (germline): Likely pathogenic (1 of 4 stars; one submission).

Submission:

GeneDx
Classification: Likely pathogenic. Last evaluated: 2016-11-19. Review status: criteria provided, single submitter. Criteria: GeneDx Variant Classification (06012015). Collection method: clinical testing. Allele origin: germline. Affected: yes.
Comment: The L495S variant in the DDX3X gene has not been reported previously as a pathogenic variant, nor as a benign variant, to our knowledge. The L495S variant was not observed in approximately 6500 individuals of European and African American ancestry in the NHLBI Exome Sequencing Project, indicating it is not a common benign variant in these populations. The L495S variant is a non-conservative amino acid substitution, which is likely to impact secondary protein structure as these residues differ in polarity, charge, size and/or other properties. This substitution occurs in the helicase C-terminal domain at a position that is conserved across species. In silico analysis predicts this variant is probably damaging to the protein structure/function. The L495S variant is a strong candidate for a pathogenic variant

NM_001356.5(DDX3X):c.1484T>C (p.Leu495Ser)

Gene: DDX3X (DEAD-box helicase 3 X-linked; plus strand). Cytogenetic location: Xp11.4.
Variant type: single nucleotide variant.
Coding change: c.1484T>C on transcript NM_001356.5 (MANE Select); coding-DNA position 1484, T replaced by C.
Protein change: p.Leu495Ser; replaces leucine 495 with serine.
Molecular consequence: missense variant. On other transcripts: non-coding transcript variant (1).
Genome position (GRCh38, 1-based): chrX:41,346,397, T>C. VCF-style: chrX-41346397-T-C. GRCh37 (hg19) VCF-style: chrX-41205650-T-C.
Other names: c.1484T>C, p.Leu495Ser (NM_001193416.3); c.1436T>C, p.Leu479Ser (NM_001193417.3); c.926T>C, p.Leu309Ser (NM_001363819.1); short protein forms L495S, L309S, L479S.
Identifiers: ClinVar variation 373151 (VCV000373151.1), dbSNP rs1057518255, ClinGen allele CA16043317.
Genomic context (GRCh38, chrX:41,346,397, plus strand): 5'-GTTCTCAGAGGGATAGAGAAGAGGCCCTTCACCAGTTCCGCTCAGGAAAAAGCCCAATTT[T>C]AGTGGCTACAGCAGTATGTATAAACATCTTTCTTTTATTCAAATTGAGCATGTTCAAGTA-3'
Protein context (NP_001347.3, residues 485-505): HQFRSGKSPI[Leu495Ser]VATAVAARGL